The following is an entry in ClinVar:

ClinVar aggregate classification (germline): Uncertain significance. Review status: criteria provided, multiple submitters, no conflicts (2 of 4 stars). 2 submissions from 2 submitters: Uncertain significance (2). Last evaluated 2024-06-23.

Conditions:
Inborn genetic diseases. Identifiers: MedGen C0950123, MeSH D030342.

Allele frequency attached by ClinVar (database versions not stated): gnomAD exomes below 0.00001 and 0.00001; ExAC 0.00001.
gnomAD v4.1: 4 of 1,599,454 alleles (0.00025%); highest among the groups gnomAD compares: Non-Finnish European, 0.00026%; no homozygotes.

Submissions (2):

Labcorp Genetics (formerly Invitae), Labcorp
Classification: Uncertain significance. Last evaluated: 2024-06-23. Review status: criteria provided, single submitter. Criteria: Invitae Variant Classification Sherloc (09022015). Collection method: clinical testing. Allele origin: germline.
Comment: This sequence change replaces lysine, which is basic and polar, with arginine, which is basic and polar, at codon 72 of the TRMT10A protein (p.Lys72Arg). This variant is present in population databases (rs773921867, gnomAD 0.002%). This variant has not been reported in the literature in individuals affected with TRMT10A-related conditions. ClinVar contains an entry for this variant (Variation ID: 1404572). Advanced modeling of protein sequence and biophysical properties (such as structural, functional, and spatial information, amino acid conservation, physicochemical variation, residue mobility, and thermodynamic stability) performed at Invitae indicates that this missense variant is not expected to disrupt TRMT10A protein function with a negative predictive value of 80%. In summary, the available evidence is currently insufficient to determine the role of this variant in disease. Therefore, it has been classified as a Variant of Uncertain Significance.

Ambry Genetics
Classification: Uncertain significance for Inborn genetic diseases. Last evaluated: 2023-03-24. Review status: criteria provided, single submitter. Criteria: Ambry Variant Classification Scheme 2023. Collection method: clinical testing. Allele origin: germline.

NM_001134665.3(TRMT10A):c.215A>G (p.Lys72Arg)

Gene: TRMT10A (tRNA methyltransferase 10A; minus strand). Cytogenetic location: 4q23.
Variant type: single nucleotide variant.
Coding change: c.215A>G on transcript NM_001134665.3 (MANE Select); coding-DNA position 215, A replaced by G.
Protein change: p.Lys72Arg; replaces lysine 72 with arginine.
Molecular consequence: missense variant.
Genome position (GRCh38, 1-based): chr4:99,558,182, T>C on the plus strand (A>G on the coding strand, the complement: TRMT10A is on the minus strand). VCF-style: chr4-99558182-T-C. GRCh37 (hg19) VCF-style: chr4-100479339-T-C.
Other names: c.215A>G (NM_152292.4); c.215A>G, p.Lys72Arg (NM_001134666.3, NM_001375880.1, NM_001375881.1 and 2 more transcripts); short protein forms K72R.
Identifiers: ClinVar variation 1404572 (VCV001404572.7), dbSNP rs773921867, ClinGen allele CA3021601.